The following is an entry in ClinVar:

NM_000535.7(PMS2):c.767G>A (p.Gly256Asp)

Gene: PMS2 (PMS1 homolog 2, mismatch repair system component; minus strand). Cytogenetic location: 7p22.1.
Variant type: single nucleotide variant.
Coding change: c.767G>A on transcript NM_000535.7 (MANE Select); coding-DNA position 767, G replaced by A.
Protein change: p.Gly256Asp; replaces glycine 256 with aspartic acid.
Molecular consequence: missense variant. On other transcripts: 5 prime UTR variant (2), non-coding transcript variant (1).
Genome position (GRCh38, 1-based): chr7:5,997,362, C>T on the plus strand (G>A on the coding strand, the complement: PMS2 is on the minus strand). VCF-style: chr7-5997362-C-T. GRCh37 (hg19) VCF-style: chr7-6036993-C-T.
Other names: c.362G>A, p.Gly121Asp (NM_001018040.1, NM_001322003.2, NM_001322004.2 and 20 more transcripts); c.767G>A, p.Gly256Asp (NM_001322006.2, NM_001322014.2, NM_001406870.1 and 3 more transcripts); c.449G>A, p.Gly150Asp (NM_001322007.2, NM_001322008.2, NM_001406876.1 and 4 more transcripts); c.-167G>A (NM_001322011.2, NM_001322012.2); c.194G>A, p.Gly65Asp (NM_001322013.2, NM_001406909.1); c.458G>A, p.Gly153Asp (NM_001322015.2, NM_001406875.1, NM_001406877.1 and 6 more transcripts); c.953G>A, p.Gly318Asp (NM_001406866.1); c.791G>A, p.Gly264Asp (NM_001406868.1); and 4 more; short protein forms G150D, G200D, G121D, G153D, G256D, G264D, G318D, G85D.
Identifiers: ClinVar variation 1760108 (VCV001760108.5), dbSNP rs2128787132, ClinGen allele CA366743677.

ClinVar aggregate classification (germline): Uncertain significance. Review status: criteria provided, multiple submitters, no conflicts (2 of 4 stars). 2 submissions from 2 submitters: Uncertain significance (2). Last evaluated 2023-12-20.

Conditions:
Hereditary cancer-predisposing syndrome. Also called: Neoplastic Syndromes, Hereditary; Tumor predisposition; Hereditary Cancer Syndrome; Hereditary neoplastic syndrome. Identifiers: Orphanet 140162, MedGen C0027672, MeSH D009386, MONDO:0015356.
Hereditary nonpolyposis colorectal neoplasms. Identifiers: MedGen C0009405, MeSH D003123.

Submissions (2):

Labcorp Genetics (formerly Invitae), Labcorp
Classification: Uncertain significance for Hereditary nonpolyposis colorectal neoplasms. Last evaluated: 2023-12-20. Review status: criteria provided, single submitter. Criteria: Invitae Variant Classification Sherloc (09022015). Collection method: clinical testing. Allele origin: germline.
Comment: This sequence change replaces glycine, which is neutral and non-polar, with aspartic acid, which is acidic and polar, at codon 256 of the PMS2 protein (p.Gly256Asp). This variant is not present in population databases (gnomAD no frequency). This variant has not been reported in the literature in individuals affected with PMS2-related conditions. ClinVar contains an entry for this variant (Variation ID: 1760108). Advanced modeling of protein sequence and biophysical properties (such as structural, functional, and spatial information, amino acid conservation, physicochemical variation, residue mobility, and thermodynamic stability) performed at Invitae indicates that this missense variant is expected to disrupt PMS2 protein function with a positive predictive value of 80%. In summary, the available evidence is currently insufficient to determine the role of this variant in disease. Therefore, it has been classified as a Variant of Uncertain Significance.

Ambry Genetics
Classification: Uncertain significance for Hereditary cancer-predisposing syndrome. Last evaluated: 2021-09-30. Review status: criteria provided, single submitter. Criteria: Ambry Variant Classification Scheme 2023. Collection method: clinical testing. Allele origin: germline.
Comment: The p.G256D variant (also known as c.767G>A), located in coding exon 7 of the PMS2 gene, results from a G to A substitution at nucleotide position 767. The glycine at codon 256 is replaced by aspartic acid, an amino acid with similar properties. This amino acid position is highly conserved in available vertebrate species. In addition, this alteration is predicted to be deleterious by in silico analysis. Since supporting evidence is limited at this time, the clinical significance of this alteration remains unclear.